The following is an entry in ClinVar:

ClinVar aggregate classification (germline): Conflicting classifications of pathogenicity. Review status: criteria provided, conflicting classifications (1 of 4 stars). 3 submissions from 3 submitters: Pathogenic (2); Uncertain significance (1). Last evaluated 2026-05-12.

Conditions:
Pheochromocytoma/paraganglioma syndrome 2. Also called: SDHAF2-Related Hereditary Paraganglioma-Pheochromocytoma Syndrome (Paragangliomas 2); SDHAF2-Related Hereditary Paraganglioma-Pheochromocytoma Syndrome; GLOMUS TUMORS, FAMILIAL, 2; Paragangliomas 2. Identifiers: Orphanet 29072, MedGen C1866552, MONDO:0011121, OMIM 601650.
Hereditary cancer-predisposing syndrome. Also called: Tumor predisposition; Hereditary Cancer Syndrome; Hereditary neoplastic syndrome; Neoplastic Syndromes, Hereditary. Identifiers: Orphanet 140162, MedGen C0027672, MeSH D009386, MONDO:0015356.
Hereditary pheochromocytoma and paraganglioma. Also called: Hereditary paragangliomas and pheochromocytomas; Hereditary Paraganglioma-Pheochromocytoma Syndromes; Hereditary pheochromocytoma-paraganglioma. Identifiers: Orphanet 29072, MedGen C4274332, MONDO:0017366.

gnomAD v4.1: 1 of 1,614,188 alleles (0.000062%); no homozygotes.

Submissions (3):

Myriad Genetics, Inc.
Classification: Pathogenic for Pheochromocytoma/paraganglioma syndrome 2. Last evaluated: 2026-05-12. Review status: criteria provided, single submitter. Criteria: Myriad Autosomal Dominant, Autosomal Recessive and X-Linked Classification Criteria (2023). Collection method: clinical testing. Allele origin: unknown.
Comment: This variant is considered pathogenic. This variant creates a termination codon and is predicted to result in premature protein truncation.

Labcorp Genetics (formerly Invitae), Labcorp
Classification: Pathogenic for Hereditary pheochromocytoma and paraganglioma. Last evaluated: 2025-08-07. Review status: criteria provided, single submitter. Criteria: Invitae Variant Classification Sherloc (09022015). Collection method: clinical testing. Allele origin: germline.
Comment: This sequence change creates a premature translational stop signal (p.Ser11*) in the SDHAF2 gene. It is expected to result in an absent or disrupted protein product. Loss-of-function variants in SDHAF2 are known to be pathogenic (PMID: 22241717, 26096992). This variant is not present in population databases (gnomAD no frequency). This variant has not been reported in the literature in individuals affected with SDHAF2-related conditions. ClinVar contains an entry for this variant (Variation ID: 2158448). For these reasons, this variant has been classified as Pathogenic.

Ambry Genetics
Classification: Uncertain significance for Hereditary cancer-predisposing syndrome. Last evaluated: 2023-11-30. Review status: criteria provided, single submitter. Criteria: Ambry Variant Classification Scheme 2023. Collection method: clinical testing. Allele origin: germline.
Comment: The p.S11* variant (also known as c.32C>A), located in coding exon 1 of the SDHAF2 gene, results from a C to A substitution at nucleotide position 32. This changes the amino acid from a serine to a stop codon within coding exon 1. The predicted stop codon occurs in the 5&rsquo; end of theSDHAF2 gene. Premature termination codons in the 5&rsquo; end of a gene have been reported to escape nonsense-mediated mRNAdecay and/or lead to re-initiation (Rivas et al. Science. 2015 May 8;348(6235):666-9; Lindeboom et al. Nat Genet. 2016 Oct;48(10):1112-8; Rhee et al. Sci Rep. 2017 May 10;7(1):1653). The exact functional effect of this alteration is unknown. Since supporting evidence is limited at this time, the clinical significance of this alteration remains unclear.

Literature cited by the submitters: PubMed 22241717 (cited by Labcorp Genetics (formerly Invitae), Labcorp); PubMed 26096992 (cited by Labcorp Genetics (formerly Invitae), Labcorp).

NM_017841.4(SDHAF2):c.32C>A (p.Ser11Ter)

Gene: SDHAF2 (succinate dehydrogenase complex assembly factor 2; plus strand). Cytogenetic location: 11q12.2.
Variant type: single nucleotide variant.
Coding change: c.32C>A on transcript NM_017841.4 (MANE Select); coding-DNA position 32, C replaced by A.
Protein change: p.Ser11Ter; replaces serine 11 with a stop codon.
Molecular consequence: nonsense.
Genome position (GRCh38, 1-based): chr11:61,430,178, C>A. VCF-style: chr11-61430178-C-A. GRCh37 (hg19) VCF-style: chr11-61197650-C-A.
Other names: short protein forms S11*.
Identifiers: ClinVar variation 2158448 (VCV002158448.6), dbSNP rs148425779, ClinGen allele CA222873842.